The following is an entry in ClinVar:

NM_012281.3(KCND2):c.647T>A (p.Ile216Asn)

Gene: KCND2 (potassium voltage-gated channel subfamily D member 2; plus strand). Cytogenetic location: 7q31.31.
Variant type: single nucleotide variant.
Coding change: c.647T>A on transcript NM_012281.3 (MANE Select); coding-DNA position 647, T replaced by A.
Protein change: p.Ile216Asn; replaces isoleucine 216 with asparagine.
Molecular consequence: missense variant.
Genome position (GRCh38, 1-based): chr7:120,275,279, T>A. VCF-style: chr7-120275279-T-A. GRCh37 (hg19) VCF-style: chr7-119915333-T-A.
Other names: short protein forms I216N.
Identifiers: ClinVar variation 3686463 (VCV003686463.2).

ClinVar aggregate classification (germline): Uncertain significance (1 of 4 stars; one submission).

Conditions:
Early Myoclonic Encephalopathy. Identifiers: MedGen C0270855.

gnomAD v4.1: 2 of 1,613,886 alleles (0.00012%); highest among the groups gnomAD compares: African/African-American, 0.0027%; no homozygotes.

Submission:

Labcorp Genetics (formerly Invitae), Labcorp
Classification: Uncertain significance for Early Myoclonic Encephalopathy. Last evaluated: 2024-05-08. Review status: criteria provided, single submitter. Criteria: Invitae Variant Classification Sherloc (09022015). Collection method: clinical testing. Allele origin: germline.
Comment: This sequence change replaces isoleucine, which is neutral and non-polar, with asparagine, which is neutral and polar, at codon 216 of the KCND2 protein (p.Ile216Asn). This variant is not present in population databases (gnomAD no frequency). This variant has not been reported in the literature in individuals affected with KCND2-related conditions. Advanced modeling of protein sequence and biophysical properties (such as structural, functional, and spatial information, amino acid conservation, physicochemical variation, residue mobility, and thermodynamic stability) performed at Invitae indicates that this missense variant is not expected to disrupt KCND2 protein function with a negative predictive value of 95%. In summary, the available evidence is currently insufficient to determine the role of this variant in disease. Therefore, it has been classified as a Variant of Uncertain Significance.